The following is an entry in ClinVar:

NM_020433.5(JPH2):c.245A>G (p.Tyr82Cys)

Gene: JPH2 (junctophilin 2; minus strand). Cytogenetic location: 20q13.12.
Variant type: single nucleotide variant.
Coding change: c.245A>G on transcript NM_020433.5 (MANE Select); coding-DNA position 245, A replaced by G.
Protein change: p.Tyr82Cys; replaces tyrosine 82 with cysteine.
Molecular consequence: missense variant.
Genome position (GRCh38, 1-based): chr20:44,186,461, T>C on the plus strand (A>G on the coding strand, the complement: JPH2 is on the minus strand). VCF-style: chr20-44186461-T-C. GRCh37 (hg19) VCF-style: chr20-42815101-T-C.
Other names: c.245A>G, p.Tyr82Cys (NM_175913.4); short protein forms Y82C.
Identifiers: ClinVar variation 1495535 (VCV001495535.12), dbSNP rs774330827, ClinGen allele CA9868905.
Genomic context (GRCh38, chr20:44,186,461, plus strand): 5'-CTGCTTGAGCTCTGCCGGATTCCGTAGCGTCCCTTGAAGCCATGTGTCCACTCGCCCTTG[T>C]AGAGCCAGCGCCCCTTGGTCTCTATGCCCAGCCCATGCCGTTTGCCCTGGCTCCAGTATC-3'
Protein context (NP_065166.2, residues 72-92): LGIETKGRWL[Tyr82Cys]KGEWTHGFKG

ClinVar aggregate classification (germline): Uncertain significance. Review status: criteria provided, multiple submitters, no conflicts (2 of 4 stars). 3 submissions from 3 submitters: Uncertain significance (3). Last evaluated 2024-09-06.

Conditions:
Hypertrophic cardiomyopathy. Also called: HYPERTROPHIC MYOCARDIOPATHY. Identifiers: Orphanet 217569, MedGen C0007194, MeSH D002312, MONDO:0005045, HP:0001639.
Cardiovascular phenotype. Identifiers: MedGen CN230736.

Allele frequency attached by ClinVar (database versions not stated): gnomAD exomes below 0.00001 and 0.00002; ExAC 0.00001.
gnomAD v4.1: 26 of 1,614,090 alleles (0.0016%); highest among the groups gnomAD compares: Non-Finnish European, 0.0022%; no homozygotes.

Submissions (3):

Labcorp Genetics (formerly Invitae), Labcorp
Classification: Uncertain significance for Hypertrophic cardiomyopathy. Last evaluated: 2024-09-06. Review status: criteria provided, single submitter. Criteria: Invitae Variant Classification Sherloc (09022015). Collection method: clinical testing. Allele origin: germline.
Comment: This sequence change replaces tyrosine, which is neutral and polar, with cysteine, which is neutral and slightly polar, at codon 82 of the JPH2 protein (p.Tyr82Cys). This variant is present in population databases (rs774330827, gnomAD 0.006%). This variant has not been reported in the literature in individuals affected with JPH2-related conditions. ClinVar contains an entry for this variant (Variation ID: 1495535). An algorithm developed to predict the effect of missense changes on protein structure and function (PolyPhen-2) suggests that this variant is likely to be disruptive. In summary, the available evidence is currently insufficient to determine the role of this variant in disease. Therefore, it has been classified as a Variant of Uncertain Significance.

Ambry Genetics
Classification: Uncertain significance for Cardiovascular phenotype. Last evaluated: 2024-07-31. Review status: criteria provided, single submitter. Criteria: Ambry Variant Classification Scheme 2023. Collection method: clinical testing. Allele origin: germline.
Comment: The p.Y82C variant (also known as c.245A>G), located in coding exon 1 of the JPH2 gene, results from an A to G substitution at nucleotide position 245. The tyrosine at codon 82 is replaced by cysteine, an amino acid with highly dissimilar properties. This amino acid position is highly conserved in available vertebrate species. In addition, this alteration is predicted to be deleterious by in silico analysis. Since supporting evidence is limited at this time, the clinical significance of this alteration remains unclear.

Blueprint Genetics
Classification: Uncertain significance. Last evaluated: 2024-07-09. Review status: criteria provided, single submitter. Criteria: ACMG Guidelines, 2015. Collection method: clinical testing. Allele origin: germline.